The following is an entry in ClinVar:

ClinVar aggregate classification (germline): Uncertain significance (1 of 4 stars; one submission).

Allele frequency attached by ClinVar (database versions not stated): gnomAD exomes below 0.00001.
gnomAD v4.1: 1 of 1,612,916 alleles (0.000062%); highest among the groups gnomAD compares: Non-Finnish European, 0.000085%; no homozygotes.

Submission:

Labcorp Genetics (formerly Invitae), Labcorp
Classification: Uncertain significance. Last evaluated: 2023-06-14. Review status: criteria provided, single submitter. Criteria: Invitae Variant Classification Sherloc (09022015). Collection method: clinical testing. Allele origin: germline.
Comment: This variant has not been reported in the literature in individuals affected with COL4A3-related conditions. This sequence change replaces glycine, which is neutral and non-polar, with cysteine, which is neutral and slightly polar, at codon 327 of the COL4A3 protein (p.Gly327Cys). This variant is not present in population databases (gnomAD no frequency). Advanced modeling of protein sequence and biophysical properties (such as structural, functional, and spatial information, amino acid conservation, physicochemical variation, residue mobility, and thermodynamic stability) performed at Invitae indicates that this missense variant is expected to disrupt COL4A3 protein function. In summary, the available evidence is currently insufficient to determine the role of this variant in disease. Therefore, it has been classified as a Variant of Uncertain Significance.

NM_000091.5(COL4A3):c.979G>T (p.Gly327Cys)

Genes: COL4A3 (collagen type IV alpha 3 chain; plus strand), MFF-DT (MFF divergent transcript; minus strand). Cytogenetic location: 2q36.3.
Variant type: single nucleotide variant.
Coding change: c.979G>T on transcript NM_000091.5 (MANE Select); coding-DNA position 979, G replaced by T.
Protein change: p.Gly327Cys; replaces glycine 327 with cysteine.
Molecular consequence: missense variant.
Genome position (GRCh38, 1-based): chr2:227,256,388, G>T. VCF-style: chr2-227256388-G-T. GRCh37 (hg19) VCF-style: chr2-228121104-G-T.
Other names: short protein forms G327C.
Identifiers: ClinVar variation 2698550 (VCV002698550.3), dbSNP rs2469586038, ClinGen allele CA350867320.
Genomic context (GRCh38, chr2:227,256,388, plus strand): 5'-TGTTCTTTTCTTTAGGGAGTCAAGGGCAACAGGGGTTTCCCTGGGTTAATGGGTGAAGAT[G>T]GCATTAAGGTAATCCTCTCCCTAATAGCCTATTTTAATAGGTTGGGTTTTGCCTGTGCTT-3'
Protein context (NP_000082.2, residues 317-337): RGFPGLMGED[Gly327Cys]IKGQKGDIGP